The following is an entry in ClinVar:

ClinVar aggregate classification (germline): Uncertain significance (1 of 4 stars; one submission).

Conditions:
Charcot-Marie-Tooth disease type 2. Also called: Charcot-Marie-Tooth type 2. Identifiers: Orphanet 64746, MedGen C0270914, MONDO:0018993.

Submission:

Labcorp Genetics (formerly Invitae), Labcorp
Classification: Uncertain significance for Charcot-Marie-Tooth disease type 2. Last evaluated: 2025-08-10. Review status: criteria provided, single submitter. Criteria: Invitae Variant Classification Sherloc (09022015). Collection method: clinical testing. Allele origin: germline.
Comment: This variant, c.1191_1192insAAGCGG, results in the insertion of 2 amino acid(s) of the MFN2 protein (p.Arg397_Gln398insLysArg), but otherwise preserves the integrity of the reading frame. This variant is not present in population databases (gnomAD no frequency). This variant has not been reported in the literature in individuals affected with MFN2-related conditions. In summary, the available evidence is currently insufficient to determine the role of this variant in disease. Therefore, it has been classified as a Variant of Uncertain Significance.

NM_014874.4(MFN2):c.1191_1192insAAGCGG (p.Arg397_Gln398insLysArg)

Gene: MFN2 (mitofusin 2; plus strand). Cytogenetic location: 1p36.22.
Variant type: Insertion.
Coding change: c.1191_1192insAAGCGG on transcript NM_014874.4 (MANE Select); coding-DNA positions 1191 to 1192, AAGCGG inserted.
Protein change: p.Arg397_Gln398insLysArg.
Molecular consequence: inframe insertion.
Genome position: GRCh38 VCF-style: chr1-12004017-G-GAGCGGA. GRCh37 (hg19) VCF-style: chr1-12064074-G-GAGCGGA.
Other names: c.1191_1192insAAGCGG, p.Arg397_Gln398insLysArg (NM_001127660.2).
Identifiers: ClinVar variation 4723780 (VCV004723780.1).